The following is an entry in ClinVar:

NM_004369.4(COL6A3):c.2621G>A (p.Arg874Gln)

Gene: COL6A3 (collagen type VI alpha 3 chain; minus strand). Cytogenetic location: 2q37.3.
Variant type: single nucleotide variant.
Coding change: c.2621G>A on transcript NM_004369.4 (MANE Select); coding-DNA position 2621, G replaced by A.
Protein change: p.Arg874Gln; replaces arginine 874 with glutamine.
Molecular consequence: missense variant.
Genome position (GRCh38, 1-based): chr2:237,377,221, C>T on the plus strand (G>A on the coding strand, the complement: COL6A3 is on the minus strand). VCF-style: chr2-237377221-C-T. GRCh37 (hg19) VCF-style: chr2-238285864-C-T.
Other names: c.1400G>A, p.Arg467Gln (NM_057164.5); c.2003G>A, p.Arg668Gln (NM_057165.5, NM_057167.4); c.800G>A, p.Arg267Gln (NM_057166.5); short protein forms R668Q, R467Q, R267Q, R874Q.
Identifiers: ClinVar variation 2712868 (VCV002712868.4), dbSNP rs865791056, ClinGen allele CA67825603.

ClinVar aggregate classification (germline): Uncertain significance. Review status: criteria provided, multiple submitters, no conflicts (2 of 4 stars). 2 submissions from 2 submitters: Uncertain significance (2). Last evaluated 2025-06-20.

Conditions:
Bethlem myopathy 1A. Also called: MYOPATHY, BENIGN CONGENITAL, WITH CONTRACTURES; Bethlem myopathy 1; Bethlem Muscular Dystrophy. Identifiers: Orphanet 610, MedGen CN029274, MONDO:0024530, OMIM 158810.

Allele frequency attached by ClinVar (database versions not stated): gnomAD 0.00002; gnomAD exomes 0.00003; TOPMed 0.00001.

Submissions (2):

Revvity Omics, Revvity
Classification: Uncertain significance. Last evaluated: 2025-06-20. Review status: criteria provided, single submitter. Criteria: ACMG Guidelines, 2015. Collection method: clinical testing. Allele origin: germline.

Labcorp Genetics (formerly Invitae), Labcorp
Classification: Uncertain significance for Bethlem myopathy 1A. Last evaluated: 2025-05-26. Review status: criteria provided, single submitter. Criteria: Invitae Variant Classification Sherloc (09022015). Collection method: clinical testing. Allele origin: germline.
Comment: This sequence change replaces arginine, which is basic and polar, with glutamine, which is neutral and polar, at codon 874 of the COL6A3 protein (p.Arg874Gln). This variant is present in population databases (no rsID available, gnomAD 0.003%). This missense change has been observed in individual(s) with idiopathic scoliosis (PMID: 26566670). ClinVar contains an entry for this variant (Variation ID: 2712868). Invitae Evidence Modeling of protein sequence and biophysical properties (such as structural, functional, and spatial information, amino acid conservation, physicochemical variation, residue mobility, and thermodynamic stability) indicates that this missense variant is expected to disrupt COL6A3 protein function with a positive predictive value of 80%. In summary, the available evidence is currently insufficient to determine the role of this variant in disease. Therefore, it has been classified as a Variant of Uncertain Significance.

Literature cited by the submitters: PubMed 26566670 (cited by Labcorp Genetics (formerly Invitae), Labcorp).